The following is an entry in ClinVar:

ClinVar aggregate classification (germline): Uncertain significance. Review status: criteria provided, multiple submitters, no conflicts (2 of 4 stars). 2 submissions from 2 submitters: Uncertain significance (2). Last evaluated 2022-10-17.

Allele frequency attached by ClinVar (database versions not stated): gnomAD 0.00001; gnomAD exomes 0.00001; ExAC 0.00002.

Submissions (2):

Labcorp Genetics (formerly Invitae), Labcorp
Classification: Uncertain significance. Last evaluated: 2022-10-17. Review status: criteria provided, single submitter. Criteria: Invitae Variant Classification Sherloc (09022015). Collection method: clinical testing. Allele origin: germline.
Comment: Algorithms developed to predict the effect of missense changes on protein structure and function are either unavailable or do not agree on the potential impact of this missense change (SIFT: "Deleterious"; PolyPhen-2: "Possibly Damaging"; Align-GVGD: "Class C0"). In summary, the available evidence is currently insufficient to determine the role of this variant in disease. Therefore, it has been classified as a Variant of Uncertain Significance. ClinVar contains an entry for this variant (Variation ID: 1424441). This variant has not been reported in the literature in individuals affected with ANGPT1-related conditions. This variant is present in population databases (rs779583797, gnomAD 0.0009%). This sequence change replaces glycine, which is neutral and non-polar, with serine, which is neutral and polar, at codon 52 of the ANGPT1 protein (p.Gly52Ser).

Breakthrough Genomics
Classification: Uncertain significance. Review status: criteria provided, single submitter. Criteria: ACMG Guidelines, 2015. Collection method: not provided. Allele origin: germline. Inheritance: Autosomal recessive inheritance. Affected: yes.

NM_001146.5(ANGPT1):c.154G>A (p.Gly52Ser)

Gene: ANGPT1 (angiopoietin 1; minus strand). Cytogenetic location: 8q23.1.
Variant type: single nucleotide variant.
Coding change: c.154G>A on transcript NM_001146.5 (MANE Select); coding-DNA position 154, G replaced by A.
Protein change: p.Gly52Ser; replaces glycine 52 with serine.
Molecular consequence: missense variant.
Genome position (GRCh38, 1-based): chr8:107,497,405, C>T on the plus strand (G>A on the coding strand, the complement: ANGPT1 is on the minus strand). VCF-style: chr8-107497405-C-T. GRCh37 (hg19) VCF-style: chr8-108509633-C-T.
Other names: c.154G>A, p.Gly52Ser (NM_001199859.3); short protein forms G52S.
Identifiers: ClinVar variation 1424441 (VCV001424441.7), dbSNP rs779583797, ClinGen allele CA4841438.